The following is an entry in ClinVar:

NM_000069.3(CACNA1S):c.3359T>C (p.Phe1120Ser)

Gene: CACNA1S (calcium voltage-gated channel subunit alpha1 S; minus strand). Cytogenetic location: 1q32.1.
Variant type: single nucleotide variant.
Coding change: c.3359T>C on transcript NM_000069.3 (MANE Select); coding-DNA position 3359, T replaced by C.
Protein change: p.Phe1120Ser; replaces phenylalanine 1120 with serine.
Molecular consequence: missense variant.
Genome position (GRCh38, 1-based): chr1:201,060,713, A>G on the plus strand (T>C on the coding strand, the complement: CACNA1S is on the minus strand). VCF-style: chr1-201060713-A-G. GRCh37 (hg19) VCF-style: chr1-201029841-A-G.
Other names: short protein forms F1120S.
Identifiers: ClinVar variation 3070680 (VCV003070680.2), dbSNP rs2464494687, ClinGen allele CA344160481.
Genomic context (GRCh38, chr1:201,060,713, plus strand): 5'-CTTACCTGCATGCCGAGGCAGATGGTGTTGAGCATGATGAGGGCAAACATCAGGTATTCA[A>G]AGTAGGAGGAGGTGACAATGTACCACACCTGGTACTGGTATGGGTTTTTGGGAATGTAGC-3'
Protein context (NP_000060.2, residues 1110-1130): QVWYIVTSSY[Phe1120Ser]EYLMFALIML

ClinVar aggregate classification (germline): Uncertain significance. Review status: criteria provided, multiple submitters, no conflicts (2 of 4 stars). 2 submissions from 2 submitters: Uncertain significance (2). Last evaluated 2025-03-05.

Conditions:
Malignant hyperthermia, susceptibility to, 5 (MHS5). Also called: CACNA1S-Related Malignant Hyperthermia Susceptibility. Identifiers: Orphanet 423, MedGen C1866077, MONDO:0011163, OMIM 601887.
Hypokalemic periodic paralysis, type 1. Also called: HypoPP; Hypokalemic Periodic Paralysis Type 1 (AD). Identifiers: Orphanet 681, MedGen C3714580, MONDO:0042979, OMIM 170400.

Allele frequency attached by ClinVar (database versions not stated): gnomAD exomes below 0.00001.
gnomAD v4.1: 3 of 1,614,180 alleles (0.00019%); highest among the groups gnomAD compares: Non-Finnish European, 0.00025%; no homozygotes.

Submissions (2):

Labcorp Genetics (formerly Invitae), Labcorp
Classification: Uncertain significance for Hypokalemic periodic paralysis, type 1; Malignant hyperthermia, susceptibility to, 5. Last evaluated: 2025-03-05. Review status: criteria provided, single submitter. Criteria: Invitae Variant Classification Sherloc (09022015). Collection method: clinical testing. Allele origin: germline.
Comment: This sequence change replaces phenylalanine, which is neutral and non-polar, with serine, which is neutral and polar, at codon 1120 of the CACNA1S protein (p.Phe1120Ser). This variant is not present in population databases (gnomAD no frequency). This variant has not been reported in the literature in individuals affected with CACNA1S-related conditions. ClinVar contains an entry for this variant (Variation ID: 3070680). Invitae Evidence Modeling of protein sequence and biophysical properties (such as structural, functional, and spatial information, amino acid conservation, physicochemical variation, residue mobility, and thermodynamic stability) has been performed for this missense variant. However, the output from this modeling did not meet the statistical confidence thresholds required to predict the impact of this variant on CACNA1S protein function. In summary, the available evidence is currently insufficient to determine the role of this variant in disease. Therefore, it has been classified as a Variant of Uncertain Significance.

All of Us Research Program, National Institutes of Health
Classification: Uncertain significance for Malignant hyperthermia, susceptibility to, 5. Last evaluated: 2023-05-04. Review status: criteria provided, single submitter. Criteria: ACMG Guidelines, 2015. Collection method: clinical testing. Allele origin: germline. Inheritance: Autosomal dominant inheritance. Observed: 1 variant allele, 1 heterozygote.
Comment: This missense variant replaces phenylalanine with serine at codon 1120 of the CACNA1S protein. Computational prediction suggests that this variant may have deleterious impact on protein structure and function (internally defined REVEL score threshold >= 0.7, PMID: 27666373). To our knowledge, functional studies have not been reported for this variant. This variant has not been reported in individuals affected with CACNA1S-related disorders in the literature. This variant has not been identified in the general population by the Genome Aggregation Database (gnomAD). The available evidence is insufficient to determine the role of this variant in disease conclusively. Therefore, this variant is classified as a Variant of Uncertain Significance.

This study involves interpretation of variants in research participants for the purpose of population health screening. Participant phenotype was not available at the time of variant classification. Additional details can be found in publication PMID: 35346344, PMCID: PMC8962531